The following is an entry in ClinVar:

NM_000138.5(FBN1):c.1710T>G (p.Cys570Trp)

Gene: FBN1 (fibrillin 1; minus strand). Cytogenetic location: 15q21.1.
Variant type: single nucleotide variant.
Coding change: c.1710T>G on transcript NM_000138.5 (MANE Select); coding-DNA position 1710, T replaced by G.
Protein change: p.Cys570Trp; replaces cysteine 570 with tryptophan.
Molecular consequence: missense variant.
Genome position (GRCh38, 1-based): chr15:48,510,048, A>C on the plus strand (T>G on the coding strand, the complement: FBN1 is on the minus strand). VCF-style: chr15-48510048-A-C. GRCh37 (hg19) VCF-style: chr15-48802245-A-C.
Other names: short protein forms C570W.
Identifiers: ClinVar variation 575196 (VCV000575196.10), dbSNP rs193922183, ClinGen allele CA392340918.

ClinVar aggregate classification (germline): Pathogenic (1 of 4 stars; one submission).

Conditions:
Familial thoracic aortic aneurysm and aortic dissection (TAAD). Also called: Thoracic aortic aneurysms and dissections. Identifiers: Orphanet 91387, MedGen C4707243, MONDO:0019625.
Marfan syndrome (MFS). Also called: FBN1-Related Marfan Syndrome; Marfan syndrome type 1; Marfan's syndrome; Marfan syndrome, classic; MARFAN SYNDROME, TYPE I. Identifiers: Orphanet 284963, Orphanet 558, MedGen C0024796, MONDO:0007947, OMIM 154700.

Submission:

Labcorp Genetics (formerly Invitae), Labcorp
Classification: Pathogenic for Marfan syndrome; Familial thoracic aortic aneurysm and aortic dissection. Last evaluated: 2019-08-15. Review status: criteria provided, single submitter. Criteria: Invitae Variant Classification Sherloc (09022015). Collection method: clinical testing. Allele origin: germline.
Comment: This sequence change replaces cysteine with tryptophan at codon 570 of the FBN1 protein (p.Cys570Trp). The cysteine residue is highly conserved and there is a large physicochemical difference between cysteine and tryptophan. This variant affects a cysteine residue in the EGF-like, TGFBP or hybrid motif domains of FBN1. Cysteine residues are believed to be involved in intramolecular disulfide bridges and have been shown to be important for FBN1 protein structure (PMID: 16905551, 19349279). In addition, missense substitutions affecting cysteine residues within these domains are significantly overrepresented among patients with Marfan syndrome (PMID: 16571647, 17701892). For these reasons, this variant has been classified as Pathogenic. This variant disrupts the p.Cys570 amino acid residue in FBN1. Other variant(s) that disrupt this residue have been observed in individuals with FBN1-related conditions (PMID: 10486319, 21907952, 11700157, 28944857), which suggests that this may be a clinically significant amino acid residue. Algorithms developed to predict the effect of missense changes on protein structure and function (SIFT, PolyPhen-2, Align-GVGD) all suggest that this variant is likely to be disruptive, but these predictions have not been confirmed by published functional studies and their clinical significance is uncertain. This variant has not been reported in the literature in individuals with FBN1-related conditions. This variant is not present in population databases (ExAC no frequency).

Literature cited by the submitters: PubMed 16905551; PubMed 19349279; PubMed 16571647; PubMed 17701892; PubMed 10486319; PubMed 21907952; PubMed 11700157; PubMed 28944857.